The following is an entry in ClinVar:

ClinVar aggregate classification (germline): Conflicting classifications of pathogenicity. Review status: criteria provided, conflicting classifications (1 of 4 stars). 8 submissions from 8 submitters: Uncertain significance (2); Likely benign (6). Last evaluated 2025-12-14.

Conditions:
Cardiovascular phenotype. Identifiers: MedGen CN230736.
Arrhythmogenic right ventricular cardiomyopathy (ARVD). Also called: Arrhythmogenic cardiomyopathy; Arrhythmogenic Right Ventricular Cardiomyopathy (ARVC); Cardiomyopathy, ARVC; Arrhythmogenic right ventricular dysplasia. Identifiers: Orphanet 247, MedGen C0349788, MeSH D019571, MONDO:0016587. Disease mechanism: loss of function. Inheritance: Various modes of inheritance.
Cardiomyopathy (CMYO). Also called: Cardiomyopathies. Identifiers: Orphanet 167848, MedGen C0878544, MONDO:0004994, HP:0001638. Inheritance: Various modes of inheritance.
Arrhythmogenic right ventricular dysplasia 10. Also called: Arrhythmogenic right ventricular dysplasia/cardiomyopathy, type 10; Arrhythmogenic Right Ventricular Dysplasia/Cardiomyopathy10; ARRHYTHMOGENIC RIGHT VENTRICULAR DYSPLASIA, FAMILIAL, 10. Identifiers: MedGen C1857777, MONDO:0012434, OMIM 610193.

Allele frequency attached by ClinVar (database versions not stated): gnomAD exomes 0.00002 and 0.00009; gnomAD 0.00004 and 0.00006; TOPMed 0.00007; ExAC 0.00008; 1000 Genomes Project 30x 0.00031; 1000 Genomes Project 0.00040.
gnomAD v4.1: 45 of 1,612,854 alleles (0.0028%); highest among the groups gnomAD compares: East Asian, 0.091%; no homozygotes.

Submissions (8):

Labcorp Genetics (formerly Invitae), Labcorp
Classification: Likely benign for Arrhythmogenic right ventricular dysplasia 10. Last evaluated: 2025-12-14. Review status: criteria provided, single submitter. Criteria: Invitae Variant Classification Sherloc (09022015). Collection method: clinical testing. Allele origin: germline.

All of Us Research Program, National Institutes of Health
Classification: Likely benign for Arrhythmogenic right ventricular cardiomyopathy. Last evaluated: 2024-08-29. Review status: criteria provided, single submitter. Criteria: ACMG Guidelines, 2015. Collection method: clinical testing. Allele origin: germline. Inheritance: Autosomal dominant inheritance. Observed: 15 variant alleles, 15 heterozygotes.
Comment: This study involves interpretation of variants in research participants for the purpose of population health screening. Participant phenotype was not available at the time of variant classification. Additional details can be found in publication PMID: 35346344, PMCID: PMC8962531

Women's Health and Genetics/Laboratory Corporation of America, LabCorp
Classification: Likely benign. Last evaluated: 2023-12-04. Review status: criteria provided, single submitter. Criteria: LabCorp Variant Classification Summary - May 2015. Collection method: clinical testing. Allele origin: germline.
Comment: Variant summary: DSG2 c.2959G>T (p.Val987Phe) results in a non-conservative amino acid change in the encoded protein sequence. Three of five in-silico tools predict a damaging effect of the variant on protein function. The variant allele was found at a frequency of 8.9e-05 in 248546 control chromosomes (gnomAD). The observed variant frequency is approximately 3.54 fold of the estimated maximal expected allele frequency for a pathogenic variant in DSG2 causing Cardiomyopathy phenotype (2.5e-05), strongly suggesting that the variant is benign. c.2959G>T has been reported in the literature in individuals affected with Dilated Cardiomyopathy without strong evidence of causality (Dai_2019, Zhang_2020). These reports do not provide unequivocal conclusions about association of the variant with Cardiomyopathy. To our knowledge, no experimental evidence demonstrating an impact on protein function has been reported. The following publications have been ascertained in the context of this evaluation (PMID: 32041989, 30993396). Six submitters have cited clinical-significance assessments for this variant to ClinVar after 2014, and classified it as likely benign (n=4) or uncertain significance (n=2). Based on the evidence outlined above, the variant was classified as likely benign.

Ambry Genetics
Classification: Likely benign for Cardiovascular phenotype. Last evaluated: 2022-12-19. Review status: criteria provided, single submitter. Criteria: Ambry Variant Classification Scheme 2023. Collection method: clinical testing. Allele origin: germline.

GeneDx
Classification: Likely benign. Last evaluated: 2021-02-15. Review status: criteria provided, single submitter. Criteria: GeneDx Variant Classification Process June 2021. Collection method: clinical testing. Allele origin: germline. Affected: yes.
Comment: See Variant Classification Assertion Criteria.

Color Diagnostics, LLC DBA Color Health
Classification: Likely benign for Cardiomyopathy. Last evaluated: 2020-01-21. Review status: criteria provided, single submitter. Criteria: ACMG Guidelines, 2015. Collection method: clinical testing. Allele origin: germline.

Illumina Laboratory Services, Illumina
Classification: Uncertain significance for Arrhythmogenic right ventricular dysplasia 10. Last evaluated: 2018-01-13. Review status: criteria provided, single submitter. Criteria: ICSL Variant Classification Criteria 13 December 2019. Collection method: clinical testing. Allele origin: germline.

Molecular Diagnostic Laboratory for Inherited Cardiovascular Disease, Montreal Heart Institute
Classification: Uncertain significance. Last evaluated: 2017-04-05. Review status: criteria provided, single submitter. Criteria: ACMG Guidelines, 2015. Collection method: clinical testing. Allele origin: germline. Affected: yes.

Literature cited by the submitters: PubMed 30993396 (cited by Women's Health and Genetics/Laboratory Corporation of America, LabCorp and Ambry Genetics); PubMed 32041989 (cited by Women's Health and Genetics/Laboratory Corporation of America, LabCorp and Ambry Genetics); PubMed 28878402 (cited by Ambry Genetics); PubMed 29192238 (cited by Ambry Genetics).

NM_001943.5(DSG2):c.2959G>T (p.Val987Phe)

Genes: DSG2 (desmoglein 2; plus strand), DSG2-AS1 (DSG2 antisense RNA 1; minus strand). Cytogenetic location: 18q12.1.
Variant type: single nucleotide variant.
Coding change: c.2959G>T on transcript NM_001943.5 (MANE Select); coding-DNA position 2959, G replaced by T.
Protein change: p.Val987Phe; replaces valine 987 with phenylalanine.
Molecular consequence: missense variant.
Genome position (GRCh38, 1-based): chr18:31,546,345, G>T. VCF-style: chr18-31546345-G-T. GRCh37 (hg19) VCF-style: chr18-29126308-G-T.
Other names: short protein forms V987F.
Identifiers: ClinVar variation 520438 (VCV000520438.27), dbSNP rs141405267, ClinGen allele CA047596.